The following is an entry in ClinVar:

NM_001754.5(RUNX1):c.351+5T>C

Gene: RUNX1 (RUNX family transcription factor 1; minus strand). Cytogenetic location: 21q22.12.
Variant type: single nucleotide variant.
Coding change: c.351+5T>C on transcript NM_001754.5 (MANE Select); 5 bases into the intron after coding-DNA position 351, T replaced by C.
Molecular consequence: intron variant.
Genome position (GRCh38, 1-based): chr21:34,886,838, A>G on the plus strand (T>C on the coding strand, the complement: RUNX1 is on the minus strand). VCF-style: chr21-34886838-A-G. GRCh37 (hg19) VCF-style: chr21-36259135-A-G.
Other names: c.270+5T>C (NM_001001890.3, NM_001122607.2).
Identifiers: ClinVar variation 463992 (VCV000463992.6), dbSNP rs1555899712, ClinGen allele CA658656804.
Genomic context (GRCh38, chr21:34,886,838, plus strand): 5'-TCGCGGATCTCCCCCGGCCTCGCCGGCCTCCGCCTGTCCTCCCACCACCCTCTCCGGGCC[A>G]GTACCTTGAAAGCGATGGGCAGGGTCTTGTTGCAGCGCCAGTGCGTAGGCAGCACGGAGC-3'

ClinVar aggregate classification (germline): Likely benign. Review status: reviewed by expert panel (3 of 4 stars). 2 submissions from 2 submitters: Likely benign (1). 1 of the submissions does not count toward it. Last evaluated 2022-08-23.

Conditions:
Hereditary thrombocytopenia and hematological cancer predisposition syndrome associated with RUNX1. Also called: PLATELET DISORDER, ASPIRIN-LIKE; Familial Platelet Disorder with Propensity to Acute Myelogenous Leukemia; Familial thrombocytopenia with propensity to acute myelogenous leukemia; RUNX1 Familial Platelet Disorder with Associated Myeloid Malignancies. Identifiers: Orphanet 71290, MedGen C1832388, MeSH C563324, MONDO:0100083, OMIM 601399.

Submissions (2):

ClinGen Myeloid Malignancy Variant Curation Expert Panel
Classification: Likely benign for Hereditary thrombocytopenia and hematological cancer predisposition syndrome associated with RUNX1. Last evaluated: 2022-08-23. Review status: reviewed by expert panel. Criteria: ClinGen MyeloMalig ACMG Specifications v2. Collection method: curation. Allele origin: germline. Inheritance: Autosomal dominant inheritance.
Comment: NM_001754.5(RUNX1):c.351+5T>C is an intronic variant has spliceAI ∆ scores <= 0.20 (BP4)Evolutionary conservation prediction algorithms predict the site as not being conserved (PhyloP score (0.3) < 2.0 or the variant is the reference nucleotide in one primate and/or three mammal species) (BP7).This variant is completely absent from all population databases with at least 20x coverage for RUNX1 (PM2_supporting). In summary, this variant meets criteria to be classified as likely benign. ACMG/AMP criteria applied, as specified by the Myeloid Malignancy Variant Curation Expert Panel for RUNX1: PM2_supporting, BP4, BP7.

Labcorp Genetics (formerly Invitae), Labcorp
Classification: Uncertain significance for Hereditary thrombocytopenia and hematological cancer predisposition syndrome associated with RUNX1. Last evaluated: 2021-08-31. Review status: criteria provided, single submitter. Criteria: Invitae Variant Classification Sherloc (09022015). Collection method: clinical testing. Allele origin: germline. Not counted in ClinVar's aggregate classification.
Comment: This sequence change falls in intron 4 of the RUNX1 gene. It does not directly change the encoded amino acid sequence of the RUNX1 protein. It affects a nucleotide within the consensus splice site of the intron. This variant is not present in population databases (ExAC no frequency). This variant has not been reported in the literature in individuals affected with RUNX1-related conditions. ClinVar contains an entry for this variant (Variation ID: 463992). Variants that disrupt the consensus splice site are a relatively common cause of aberrant splicing (PMID: 17576681, 9536098). Algorithms developed to predict the effect of sequence changes on RNA splicing suggest that this variant is not likely to affect RNA splicing. In summary, the available evidence is currently insufficient to determine the role of this variant in disease. Therefore, it has been classified as a Variant of Uncertain Significance.

Literature cited by the submitters: PubMed 17576681 (cited by Labcorp Genetics (formerly Invitae), Labcorp); PubMed 9536098 (cited by Labcorp Genetics (formerly Invitae), Labcorp).